The following is an entry in ClinVar:

NM_198525.3(KIF7):c.2568G>A (p.Met856Ile)

Gene: KIF7 (kinesin family member 7; minus strand). Cytogenetic location: 15q26.1.
Variant type: single nucleotide variant.
Coding change: c.2568G>A on transcript NM_198525.3 (MANE Select); coding-DNA position 2568, G replaced by A.
Protein change: p.Met856Ile; replaces methionine 856 with isoleucine.
Molecular consequence: missense variant.
Genome position (GRCh38, 1-based): chr15:89,633,710, C>T on the plus strand (G>A on the coding strand, the complement: KIF7 is on the minus strand). VCF-style: chr15-89633710-C-T. GRCh37 (hg19) VCF-style: chr15-90176941-C-T.
Other names: short protein forms M856I.
Identifiers: ClinVar variation 1372202 (VCV001372202.5), dbSNP rs751970641, ClinGen allele CA7728098.

ClinVar aggregate classification (germline): Uncertain significance (1 of 4 stars; one submission).

Conditions:
Acrocallosal syndrome (ACLS). Also called: HALLUX DUPLICATION, POSTAXIAL POLYDACTYLY, AND ABSENCE OF CORPUS CALLOSUM; Schinzel syndrome 1; Absence of corpus callosum with unusual facial appearance, mental deficiency, duplication of the halluces and polydactyly. Identifiers: Orphanet 36, MedGen C0796147, MONDO:0008708, OMIM 200990.

Allele frequency attached by ClinVar (database versions not stated): TOPMed below 0.00001; ExAC 0.00001; gnomAD exomes 0.00001.
gnomAD v4.1: 6 of 1,608,010 alleles (0.00037%); highest among the groups gnomAD compares: South Asian, 0.0044%; no homozygotes.

Submission:

Labcorp Genetics (formerly Invitae), Labcorp
Classification: Uncertain significance for Acrocallosal syndrome. Last evaluated: 2022-08-22. Review status: criteria provided, single submitter. Criteria: Invitae Variant Classification Sherloc (09022015). Collection method: clinical testing. Allele origin: germline.
Comment: This sequence change replaces methionine, which is neutral and non-polar, with isoleucine, which is neutral and non-polar, at codon 856 of the KIF7 protein (p.Met856Ile). This variant is present in population databases (rs751970641, gnomAD 0.007%). This variant has not been reported in the literature in individuals affected with KIF7-related conditions. ClinVar contains an entry for this variant (Variation ID: 1372202). Algorithms developed to predict the effect of missense changes on protein structure and function are either unavailable or do not agree on the potential impact of this missense change (SIFT: "Deleterious"; PolyPhen-2: "Possibly Damaging"; Align-GVGD: "Class C0"). In summary, the available evidence is currently insufficient to determine the role of this variant in disease. Therefore, it has been classified as a Variant of Uncertain Significance.